The following is an entry in ClinVar:

ClinVar aggregate classification (germline): Uncertain significance (1 of 4 stars; one submission).

Submission:

Labcorp Genetics (formerly Invitae), Labcorp
Classification: Uncertain significance. Last evaluated: 2022-02-03. Review status: criteria provided, single submitter. Criteria: Invitae Variant Classification Sherloc (09022015). Collection method: clinical testing. Allele origin: germline.
Comment: In summary, the available evidence is currently insufficient to determine the role of this variant in disease. Therefore, it has been classified as a Variant of Uncertain Significance. This sequence change replaces lysine, which is basic and polar, with threonine, which is neutral and polar, at codon 482 of the LRRC8A protein (p.Lys482Thr). This variant is not present in population databases (gnomAD no frequency). This variant has not been reported in the literature in individuals affected with LRRC8A-related conditions. Algorithms developed to predict the effect of missense changes on protein structure and function are either unavailable or do not agree on the potential impact of this missense change (SIFT: "Deleterious"; PolyPhen-2: "Benign"; Align-GVGD: "Class C25").

NM_019594.4(LRRC8A):c.1445A>C (p.Lys482Thr)

Gene: LRRC8A (leucine rich repeat containing 8 VRAC subunit A; plus strand). Cytogenetic location: 9q34.11.
Variant type: single nucleotide variant.
Coding change: c.1445A>C on transcript NM_019594.4 (MANE Select); coding-DNA position 1445, A replaced by C.
Protein change: p.Lys482Thr; replaces lysine 482 with threonine.
Molecular consequence: missense variant.
Genome position (GRCh38, 1-based): chr9:128,908,609, A>C. VCF-style: chr9-128908609-A-C. GRCh37 (hg19) VCF-style: chr9-131670888-A-C.
Other names: c.1445A>C, p.Lys482Thr (NM_001127244.2, NM_001127245.2); short protein forms K482T.
Identifiers: ClinVar variation 1491008 (VCV001491008.8), dbSNP rs2131023657, ClinGen allele CA375081442.